The following is an entry in ClinVar:

NM_007254.4(PNKP):c.1550A>T (p.Gln517Leu)

Gene: PNKP (polynucleotide kinase 3'-phosphatase; minus strand). Cytogenetic location: 19q13.33.
Variant type: single nucleotide variant.
Coding change: c.1550A>T on transcript NM_007254.4 (MANE Select); coding-DNA position 1550, A replaced by T.
Protein change: p.Gln517Leu; replaces glutamine 517 with leucine.
Molecular consequence: missense variant.
Genome position (GRCh38, 1-based): chr19:49,861,264, T>A on the plus strand (A>T on the coding strand, the complement: PNKP is on the minus strand). VCF-style: chr19-49861264-T-A. GRCh37 (hg19) VCF-style: chr19-50364521-T-A.
Other names: c.1550A>T (NM_007254.3); short protein forms Q517L.
Identifiers: ClinVar variation 1918056 (VCV001918056.3), dbSNP rs2074752439, ClinGen allele CA406932373.

ClinVar aggregate classification (germline): Uncertain significance. Review status: criteria provided, multiple submitters, no conflicts (2 of 4 stars). 2 submissions from 2 submitters: Uncertain significance (2). Last evaluated 2025-02-21.

Conditions:
Inborn genetic diseases. Identifiers: MedGen C0950123, MeSH D030342.
Developmental and epileptic encephalopathy, 12 (DEE12). Identifiers: MedGen C3150988, MONDO:0013389, OMIM 613722.

Allele frequency attached by ClinVar (database versions not stated): TOPMed below 0.00001; gnomAD 0.00001.
gnomAD v4.1: 3 of 1,607,812 alleles (0.00019%); highest among the groups gnomAD compares: Non-Finnish European, 0.00017%; no homozygotes.

Submissions (2):

Ambry Genetics
Classification: Uncertain significance for Inborn genetic diseases. Last evaluated: 2025-02-21. Review status: criteria provided, single submitter. Criteria: Ambry Variant Classification Scheme 2023. Collection method: clinical testing. Allele origin: germline.

Labcorp Genetics (formerly Invitae), Labcorp
Classification: Uncertain significance for Developmental and epileptic encephalopathy, 12. Last evaluated: 2022-04-07. Review status: criteria provided, single submitter. Criteria: Invitae Variant Classification Sherloc (09022015). Collection method: clinical testing. Allele origin: germline.
Comment: This sequence change replaces glutamine, which is neutral and polar, with leucine, which is neutral and non-polar, at codon 517 of the PNKP protein (p.Gln517Leu). This variant is not present in population databases (gnomAD no frequency). This variant has not been reported in the literature in individuals affected with PNKP-related conditions. Algorithms developed to predict the effect of missense changes on protein structure and function (SIFT, PolyPhen-2, Align-GVGD) all suggest that this variant is likely to be tolerated. In summary, the available evidence is currently insufficient to determine the role of this variant in disease. Therefore, it has been classified as a Variant of Uncertain Significance.